The following is an entry in ClinVar:

ClinVar aggregate classification (germline): Uncertain significance. Review status: criteria provided, multiple submitters, no conflicts (2 of 4 stars). 2 submissions from 2 submitters: Uncertain significance (2). Last evaluated 2025-11-02.

Conditions:
Focal segmental glomerulosclerosis 5 (FSGS5). Identifiers: Orphanet 656, MedGen C2750475, MONDO:0013191, OMIM 613237.
Charcot-Marie-Tooth disease dominant intermediate E. Also called: CHARCOT-MARIE-TOOTH NEUROPATHY WITH FOCAL SEGMENTAL GLOMERULONEPHRITIS. Identifiers: Orphanet 93114, MedGen C4302667, MONDO:0013758, OMIM 614455.

gnomAD v4.1: 7 of 1,232,150 alleles (0.00057%); highest among the groups gnomAD compares: South Asian, 0.0027%; no homozygotes.

Submissions (2):

Labcorp Genetics (formerly Invitae), Labcorp
Classification: Uncertain significance for Charcot-Marie-Tooth disease dominant intermediate E; Focal segmental glomerulosclerosis 5. Last evaluated: 2025-11-02. Review status: criteria provided, single submitter. Criteria: Invitae Variant Classification Sherloc (09022015). Collection method: clinical testing. Allele origin: germline.
Comment: This sequence change replaces glutamic acid, which is acidic and polar, with lysine, which is basic and polar, at codon 436 of the INF2 protein (p.Glu436Lys). The frequency data for this variant in the population databases is considered unreliable, as metrics indicate poor data quality at this position in the gnomAD database. This variant has not been reported in the literature in individuals affected with INF2-related conditions. ClinVar contains an entry for this variant (Variation ID: 3762199). Invitae Evidence Modeling of protein sequence and biophysical properties (such as structural, functional, and spatial information, amino acid conservation, physicochemical variation, residue mobility, and thermodynamic stability) indicates that this missense variant is not expected to disrupt INF2 protein function with a negative predictive value of 95%. In summary, the available evidence is currently insufficient to determine the role of this variant in disease. Therefore, it has been classified as a Variant of Uncertain Significance.

Revvity Omics, Revvity
Classification: Uncertain significance. Last evaluated: 2024-01-16. Review status: criteria provided, single submitter. Criteria: ACMG Guidelines, 2015. Collection method: clinical testing. Allele origin: germline.

NM_022489.4(INF2):c.1306G>A (p.Glu436Lys)

Gene: INF2 (inverted formin 2; plus strand). Cytogenetic location: 14q32.33.
Variant type: single nucleotide variant.
Coding change: c.1306G>A on transcript NM_022489.4 (MANE Select); coding-DNA position 1306, G replaced by A.
Protein change: p.Glu436Lys; replaces glutamic acid 436 with lysine.
Molecular consequence: missense variant. On other transcripts: non-coding transcript variant (1).
Genome position (GRCh38, 1-based): chr14:104,707,573, G>A. VCF-style: chr14-104707573-G-A. GRCh37 (hg19) VCF-style: chr14-105173910-G-A.
Other names: c.1306G>A, p.Glu436Lys (NM_001031714.4, NM_001426862.1, NM_001426863.1 and 2 more transcripts); short protein forms E436K.
Identifiers: ClinVar variation 3762199 (VCV003762199.3).